The following is an entry in ClinVar:

ClinVar aggregate classification (germline): Uncertain significance (1 of 4 stars; one submission).

Allele frequency attached by ClinVar (database versions not stated): gnomAD exomes below 0.00001.
gnomAD v4.1: 2 of 1,613,372 alleles (0.00012%); highest among the groups gnomAD compares: Non-Finnish European, 0.00017%; no homozygotes.

Submission:

GeneDx
Classification: Uncertain significance. Last evaluated: 2023-02-23. Review status: criteria provided, single submitter. Criteria: GeneDx Variant Classification Process June 2021. Collection method: clinical testing. Allele origin: germline. Affected: yes.
Comment: Not observed at significant frequency in large population cohorts (gnomAD); In silico analysis supports that this missense variant does not alter protein structure/function; Has not been previously published as pathogenic or benign to our knowledge

NM_003047.5(SLC9A1):c.2159A>G (p.Asp720Gly)

Gene: SLC9A1 (solute carrier family 9 member A1; minus strand). Cytogenetic location: 1p36.11.
Variant type: single nucleotide variant.
Coding change: c.2159A>G on transcript NM_003047.5 (MANE Select); coding-DNA position 2159, A replaced by G.
Protein change: p.Asp720Gly; replaces aspartic acid 720 with glycine.
Molecular consequence: missense variant. On other transcripts: non-coding transcript variant (1).
Genome position (GRCh38, 1-based): chr1:27,100,596, T>C on the plus strand (A>G on the coding strand, the complement: SLC9A1 is on the minus strand). VCF-style: chr1-27100596-T-C. GRCh37 (hg19) VCF-style: chr1-27427087-T-C.
Other names: short protein forms D720G.
Identifiers: ClinVar variation 2577758 (VCV002577758.1), dbSNP rs1570840726, ClinGen allele CA339177848.